The following is an entry in ClinVar:

NM_001317950.2(AKNA):c.1025C>T (p.Ser342Phe)

Gene: AKNA (AT-hook transcription factor; minus strand). Cytogenetic location: 9q32.
Variant type: single nucleotide variant.
Coding change: c.1025C>T on transcript NM_001317950.2 (MANE Select); coding-DNA position 1025, C replaced by T.
Protein change: p.Ser342Phe; replaces serine 342 with phenylalanine.
Molecular consequence: missense variant.
Genome position (GRCh38, 1-based): chr9:114,376,782, G>A on the plus strand (C>T on the coding strand, the complement: AKNA is on the minus strand). VCF-style: chr9-114376782-G-A. GRCh37 (hg19) VCF-style: chr9-117139062-G-A.
Other names: c.668C>T, p.Ser223Phe (NM_001317952.1); c.1025C>T, p.Ser342Phe (NM_030767.5); short protein forms S223F, S342F.
Identifiers: ClinVar variation 2659447 (VCV002659447.24), dbSNP rs200338881, ClinGen allele CA5205268.

ClinVar aggregate classification (germline): Uncertain significance (1 of 4 stars; one submission).

Allele frequency attached by ClinVar (database versions not stated): ExAC 0.00043; gnomAD exomes 0.00073; ESP Exome Variant Server 0.00023; gnomAD 0.00040; TOPMed 0.00040.
gnomAD v4.1: 1,109 of 1,612,380 alleles (0.069%); highest among the groups gnomAD compares: Non-Finnish European, 0.087%; no homozygotes.

Submission:

CeGaT Center for Human Genetics Tuebingen
Classification: Uncertain significance. Last evaluated: 2023-05-01. Review status: criteria provided, single submitter. Criteria: CeGaT Center For Human Genetics Tuebingen Variant Classification Criteria Version 2. Collection method: clinical testing. Allele origin: germline. Affected: yes. Observed: 1 variant allele.
Comment: AKNA: PM2, BP4